The following is an entry in ClinVar:

ClinVar aggregate classification (germline): Pathogenic/Likely pathogenic. Review status: criteria provided, multiple submitters, no conflicts (2 of 4 stars). 2 submissions from 2 submitters: Pathogenic (1); Likely pathogenic (1). Last evaluated 2023-08-05.

Conditions:
Retinitis pigmentosa 25 (RP25). Identifiers: Orphanet 791, MedGen C1864446, MONDO:0011272, OMIM 602772.

Allele frequency attached by ClinVar (database versions not stated): gnomAD exomes 0.00001.

Submissions (2):

Baylor Genetics
Classification: Likely pathogenic for Retinitis pigmentosa 25. Last evaluated: 2023-08-05. Review status: criteria provided, single submitter. Criteria: ACMG Guidelines, 2015. Collection method: clinical testing. Allele origin: unknown.

Labcorp Genetics (formerly Invitae), Labcorp
Classification: Pathogenic. Last evaluated: 2022-08-31. Review status: criteria provided, single submitter. Criteria: Invitae Variant Classification Sherloc (09022015). Collection method: clinical testing. Allele origin: germline.
Comment: This variant is present in population databases (no rsID available, gnomAD 0.002%). For these reasons, this variant has been classified as Pathogenic. This variant has not been reported in the literature in individuals affected with EYS-related conditions. This sequence change creates a premature translational stop signal (p.Val1208Serfs*2) in the EYS gene. It is expected to result in an absent or disrupted protein product. Loss-of-function variants in EYS are known to be pathogenic (PMID: 18836446, 20333770).

Literature cited by the submitters: PubMed 18836446 (cited by Labcorp Genetics (formerly Invitae), Labcorp); PubMed 20333770 (cited by Labcorp Genetics (formerly Invitae), Labcorp).

NM_001142800.2(EYS):c.3618_3619del (p.Val1208fs)

Gene: EYS (EGF-like photoreceptor maintenance factor; minus strand). Cytogenetic location: 6q12.
Variant type: Deletion.
Coding change: c.3618_3619del on transcript NM_001142800.2 (MANE Select); coding-DNA positions 3618 to 3619, 2 bases deleted (AT; older notation c.3618_3619delAT).
Protein change: p.Val1208fs; shifts the reading frame from valine 1208.
Molecular consequence: frameshift variant.
Genome position (GRCh38, 1-based): chr6:64,617,483-64,617,484, AT deleted on the plus strand (AT on the coding strand, the reverse complement: EYS is on the minus strand). VCF-style (leftmost placement, unchanged base first): chr6-64617482-CAT-C. GRCh37 (hg19) VCF-style: chr6-65327375-CAT-C.
Other names: c.3618_3619del, p.Val1208fs (NM_001292009.2); short protein forms V1208fs.
Identifiers: ClinVar variation 2154159 (VCV002154159.5), dbSNP rs1173948061, ClinGen allele CA567739206.